The following is an entry in ClinVar:

NM_017866.6(TMEM70):c.144_167del (p.Val49_Pro56del)

Gene: TMEM70 (transmembrane protein 70; plus strand). Cytogenetic location: 8q21.11.
Variant type: Deletion.
Coding change: c.144_167del on transcript NM_017866.6 (MANE Select); coding-DNA positions 144 to 167, 24 bases deleted (GGTAGCCGGCTGGAGTACGGGGCC).
Protein change: p.Val49_Pro56del.
Molecular consequence: inframe deletion. On other transcripts: non-coding transcript variant (1).
Genome position (GRCh38, 1-based): chr8:73,976,425-73,976,448, GGTAGCCGGCTGGAGTACGGGGCC deleted; deleting any 24 consecutive bases within chr8:73,976,418-73,976,448 gives the same sequence; the c. name uses the placement nearest the transcript's 3' end. VCF-style (leftmost placement, unchanged base first): chr8-73976417-TCGGGGCCGGTAGCCGGCTGGAGTA-T. GRCh37 (hg19) VCF-style: chr8-74888652-TCGGGGCCGGTAGCCGGCTGGAGTA-T.
Other names: c.144_167del, p.Val49_Pro56del (NM_001040613.3).
Identifiers: ClinVar variation 2111712 (VCV002111712.4), dbSNP rs2536389740, ClinGen allele CA2580078936.

ClinVar aggregate classification (germline): Uncertain significance (1 of 4 stars; one submission).

Conditions:
Mitochondrial complex V (ATP synthase) deficiency, nuclear type 2. Also called: ENCEPHALOCARDIOMYOPATHY, MITOCHONDRIAL, NEONATAL, DUE TO ATP SYNTHASE DEFICIENCY; Nuclear-Encoded ATPase Deficiency, TMEM70-Related; MITOCHONDRIAL COMPLEX V (ATP SYNTHASE) DEFICIENCY, TMEM70 TYPE. Identifiers: Orphanet 1194, MedGen C3279699, MONDO:0013546, OMIM 614052.

Submission:

Labcorp Genetics (formerly Invitae), Labcorp
Classification: Uncertain significance for Mitochondrial complex V (ATP synthase) deficiency, nuclear type 2. Last evaluated: 2022-03-20. Review status: criteria provided, single submitter. Criteria: Invitae Variant Classification Sherloc (09022015). Collection method: clinical testing. Allele origin: germline.
Comment: In summary, the available evidence is currently insufficient to determine the role of this variant in disease. Therefore, it has been classified as a Variant of Uncertain Significance. Experimental studies and prediction algorithms are not available or were not evaluated, and the functional significance of this variant is currently unknown. This variant has not been reported in the literature in individuals affected with TMEM70-related conditions. This variant is not present in population databases (gnomAD no frequency). This variant, c.144_167del, results in the deletion of 8 amino acid(s) of the TMEM70 protein (p.Val49_Pro56del), but otherwise preserves the integrity of the reading frame.